The following is an entry in ClinVar:

NM_006506.5(RASA2):c.2226-5C>T

Gene: RASA2 (RAS p21 protein activator 2; plus strand). Cytogenetic location: 3q23.
Variant type: single nucleotide variant.
Coding change: c.2226-5C>T on transcript NM_006506.5 (MANE Select); 5 bases into the intron before coding-DNA position 2226, C replaced by T.
Molecular consequence: intron variant.
Genome position (GRCh38, 1-based): chr3:141,609,415, C>T. VCF-style: chr3-141609415-C-T. GRCh37 (hg19) VCF-style: chr3-141328257-C-T.
Other names: c.2229-5C>T (NM_001303245.3); c.2238-5C>T (NM_001303246.3).
Identifiers: ClinVar variation 496324 (VCV000496324.57), dbSNP rs112582979, ClinGen allele CA2645792.

ClinVar aggregate classification (germline): Benign/Likely benign. Review status: criteria provided, multiple submitters, no conflicts (2 of 4 stars). 4 submissions from 4 submitters: Benign (3); Likely benign (1). Last evaluated 2026-02-01.

Allele frequency attached by ClinVar (database versions not stated): gnomAD exomes 0.00061 and 0.00164; ExAC 0.00219; ESP Exome Variant Server 0.00593; 1000 Genomes Project 30x 0.00656; gnomAD 0.00681 and 0.00714; TOPMed 0.00687; 1000 Genomes Project 0.00699.
gnomAD v4.1: 1,932 of 1,501,156 alleles (0.13%); highest among the groups gnomAD compares: African/African-American, 2.3%; 24 homozygotes.

Submissions (4):

Labcorp Genetics (formerly Invitae), Labcorp
Classification: Benign. Last evaluated: 2026-02-01. Review status: criteria provided, single submitter. Criteria: Invitae Variant Classification Sherloc (09022015). Collection method: clinical testing. Allele origin: germline.

ARUP Laboratories, Molecular Genetics and Genomics, ARUP Laboratories
Classification: Benign. Last evaluated: 2023-11-06. Review status: criteria provided, single submitter. Criteria: ARUP Molecular Germline Variant Investigation Process 2024. Collection method: clinical testing. Allele origin: germline.

GeneDx
Classification: Likely benign. Last evaluated: 2021-02-07. Review status: criteria provided, single submitter. Criteria: GeneDx Variant Classification Process June 2021. Collection method: clinical testing. Allele origin: germline. Affected: yes.

Women's Health and Genetics/Laboratory Corporation of America, LabCorp
Classification: Benign. Last evaluated: 2017-07-05. Review status: criteria provided, single submitter. Criteria: LabCorp Variant Classification Summary - May 2015. Collection method: clinical testing. Allele origin: germline.
Comment: Variant summary: The RASA2 c.2226-5C>T variant involves the alteration of a non-conserved intronic nucleotide. Mutation taster predicts a benign outcome for this variant. 5/5 splice prediction tools predict no significant impact on normal splicing. This variant was found in 260/118950 control chromosomes (4 homozygotes), predominantly observed in the African subpopulation at a frequency of 0.023849 (233/9770). This frequency is about 4770 times the estimated maximal expected allele frequency of a pathogenic RASA2 variant (0.000005), suggesting this is likely a benign polymorphism found primarily in the populations of African origin. The variant of interest has not, to our knowledge, been reported in affected individuals via publications and/or reputable databases/clinical diagnostic laboratories. Taken together, this variant is classified as benign.